The following is an entry in ClinVar:

NM_001330260.2(SCN8A):c.396-3T>C

Gene: SCN8A (sodium voltage-gated channel alpha subunit 8; plus strand). Cytogenetic location: 12q13.13.
Variant type: single nucleotide variant.
Coding change: c.396-3T>C on transcript NM_001330260.2 (MANE Select); 3 bases into the intron before coding-DNA position 396, T replaced by C.
Molecular consequence: intron variant.
Genome position (GRCh38, 1-based): chr12:51,686,365, T>C. VCF-style: chr12-51686365-T-C. GRCh37 (hg19) VCF-style: chr12-52080149-T-C.
Other names: c.396-3T>C (NM_014191.4, NM_001177984.3, NM_001369788.1).
Identifiers: ClinVar variation 1034830 (VCV001034830.9), dbSNP rs752458453, ClinGen allele CA6571060.

ClinVar aggregate classification (germline): Uncertain significance (1 of 4 stars; one submission).

Conditions:
Early-infantile DEE. Also called: Ohtahara syndrome; Early infantile epileptic encephalopathy; Early infantile epileptic encephalopathy with suppression bursts. Identifiers: Orphanet 1934, MedGen C0393706, MONDO:0800491.

Allele frequency attached by ClinVar (database versions not stated): gnomAD exomes below 0.00001 and 0.00001; gnomAD 0.00001; ExAC 0.00002.
gnomAD v4.1: 5 of 1,599,094 alleles (0.00031%); highest among the groups gnomAD compares: Non-Finnish European, 0.00043%; no homozygotes.

Submission:

Labcorp Genetics (formerly Invitae), Labcorp
Classification: Uncertain significance for Early-infantile DEE. Last evaluated: 2022-07-17. Review status: criteria provided, single submitter. Criteria: Invitae Variant Classification Sherloc (09022015). Collection method: clinical testing. Allele origin: germline.
Comment: Variants that disrupt the consensus splice site are a relatively common cause of aberrant splicing (PMID: 17576681, 9536098). Algorithms developed to predict the effect of sequence changes on RNA splicing suggest that this variant may create or strengthen a splice site. This sequence change falls in intron 3 of the SCN8A gene. It does not directly change the encoded amino acid sequence of the SCN8A protein. It affects a nucleotide within the consensus splice site. This variant is present in population databases (rs752458453, gnomAD 0.003%). This variant has not been reported in the literature in individuals affected with SCN8A-related conditions. ClinVar contains an entry for this variant (Variation ID: 1034830). In summary, the available evidence is currently insufficient to determine the role of this variant in disease. Therefore, it has been classified as a Variant of Uncertain Significance.

Literature cited by the submitters: PubMed 17576681; PubMed 9536098.